The following is an entry in ClinVar:

ClinVar aggregate classification (germline): Pathogenic/Likely pathogenic. Review status: criteria provided, multiple submitters, no conflicts (2 of 4 stars). 2 submissions from 2 submitters: Pathogenic (1); Likely pathogenic (1). Last evaluated 2024-03-01.

Conditions:
Duchenne muscular dystrophy (DMD). Also called: MUSCULAR DYSTROPHY, PSEUDOHYPERTROPHIC PROGRESSIVE, DUCHENNE TYPE; Duchenne Muscular Dystrophy (DMD). Identifiers: Orphanet 98896, MedGen C0013264, MONDO:0010679, OMIM 310200.

Submissions (2):

CeGaT Center for Human Genetics Tuebingen
Classification: Pathogenic. Last evaluated: 2024-03-01. Review status: criteria provided, single submitter. Criteria: CeGaT Center For Human Genetics Tuebingen Variant Classification Criteria Version 2. Collection method: clinical testing. Allele origin: germline. Affected: yes. Observed: 1 variant allele.
Comment: DMD: PS1, PVS1:Strong, PM2

Laboratory of Medical Genetics, National & Kapodistrian University of Athens
Classification: Likely pathogenic for Duchenne muscular dystrophy. Last evaluated: 2022-12-16. Review status: criteria provided, single submitter. Criteria: ACMG Guidelines, 2015. Collection method: clinical testing. Allele origin: germline. Affected: yes.
Comment: PVS1, PM2

NM_004006.3(DMD):c.9361+1G>T

Gene: DMD (dystrophin; minus strand). Cytogenetic location: Xp21.2.
Variant type: single nucleotide variant.
Coding change: c.9361+1G>T on transcript NM_004006.3 (MANE Select); the canonical splice donor site of the intron after coding-DNA position 9361, G replaced by T.
Molecular consequence: splice donor variant.
Genome position (GRCh38, 1-based): chrX:31,223,046, C>A on the plus strand (G>T on the coding strand, the complement: DMD is on the minus strand). VCF-style: chrX-31223046-C-A. GRCh37 (hg19) VCF-style: chrX-31241163-C-A.
Other names: c.157+1G>T (NM_004015.3, NM_004019.3, NM_004018.3 and 2 more transcripts); c.9349+1G>T (NM_004009.3); c.8992+1G>T (NM_004010.3); c.9337+1G>T (NM_000109.4); c.5338+1G>T (NM_004011.4); c.5329+1G>T (NM_004012.4); c.1981+1G>T (NM_004023.3, NM_004020.4, NM_004022.3 and 2 more transcripts); c.1174+1G>T (NM_004014.3).
Identifiers: ClinVar variation 1806437 (VCV001806437.22), dbSNP rs398124094, ClinGen allele CA412650778.